The following is an entry in ClinVar:

ClinVar aggregate classification (germline): Uncertain significance. Review status: criteria provided, multiple submitters, no conflicts (2 of 4 stars). 2 submissions from 2 submitters: Uncertain significance (2). Last evaluated 2023-04-07.

Conditions:
Idiopathic Pulmonary Fibrosis. Also called: Idiopathic fibrosing alveolitis, chronic form; idiopathic fibrosing alveolitis. Identifiers: Orphanet 2032, MedGen C1800706, MeSH D054990, MONDO:0800504.
Dyskeratosis congenita, autosomal dominant 2. Identifiers: MedGen C3151443, MONDO:0013521, OMIM 613989.
Dyskeratosis congenita. Identifiers: Orphanet 1775, MedGen C0265965, MONDO:0015780.

Submissions (2):

Labcorp Genetics (formerly Invitae), Labcorp
Classification: Uncertain significance for Dyskeratosis congenita, autosomal dominant 2; Idiopathic Pulmonary Fibrosis. Last evaluated: 2023-04-07. Review status: criteria provided, single submitter. Criteria: Invitae Variant Classification Sherloc (09022015). Collection method: clinical testing. Allele origin: germline.
Comment: In summary, the available evidence is currently insufficient to determine the role of this variant in disease. Therefore, it has been classified as a Variant of Uncertain Significance. Algorithms developed to predict the effect of missense changes on protein structure and function output the following: SIFT: "Not Available"; PolyPhen-2: "Benign"; Align-GVGD: "Not Available". The asparagine amino acid residue is found in multiple mammalian species, which suggests that this missense change does not adversely affect protein function. ClinVar contains an entry for this variant (Variation ID: 1383497). This variant has not been reported in the literature in individuals affected with TERT-related conditions. This variant is not present in population databases (gnomAD no frequency). This sequence change replaces threonine, which is neutral and polar, with asparagine, which is neutral and polar, at codon 655 of the TERT protein (p.Thr655Asn).

Ambry Genetics
Classification: Uncertain significance for Dyskeratosis congenita. Last evaluated: 2023-01-04. Review status: criteria provided, single submitter. Criteria: Ambry Variant Classification Scheme 2023. Collection method: clinical testing. Allele origin: germline.
Comment: The p.T655N variant (also known as c.1964C>A), located in coding exon 5 of the TERT gene, results from a C to A substitution at nucleotide position 1964. The threonine at codon 655 is replaced by asparagine, an amino acid with similar properties. This amino acid position is conserved. In addition, this alteration is predicted to be tolerated by in silico analysis. Since supporting evidence is limited at this time, the clinical significance of this alteration remains unclear.

NM_198253.3(TERT):c.1964C>A (p.Thr655Asn)

Gene: TERT (telomerase reverse transcriptase; minus strand). Cytogenetic location: 5p15.33.
Variant type: single nucleotide variant.
Coding change: c.1964C>A on transcript NM_198253.3 (MANE Select); coding-DNA position 1964, C replaced by A.
Protein change: p.Thr655Asn; replaces threonine 655 with asparagine.
Molecular consequence: missense variant. On other transcripts: non-coding transcript variant (2).
Genome position (GRCh38, 1-based): chr5:1,279,457, G>T on the plus strand (C>A on the coding strand, the complement: TERT is on the minus strand). VCF-style: chr5-1279457-G-T. GRCh37 (hg19) VCF-style: chr5-1279572-G-T.
Other names: c.1964C>A (NM_198253.2); c.1964C>A, p.Thr655Asn (NM_001193376.3); short protein forms T655N.
Identifiers: ClinVar variation 1383497 (VCV001383497.8), dbSNP rs2126642347, ClinGen allele CA359080864.